The following is an entry in ClinVar:

NM_052876.4(NACC1):c.302T>C (p.Met101Thr)

Gene: NACC1 (nucleus accumbens associated 1; plus strand). Cytogenetic location: 19p13.13.
Variant type: single nucleotide variant.
Coding change: c.302T>C on transcript NM_052876.4 (MANE Select); coding-DNA position 302, T replaced by C.
Protein change: p.Met101Thr; replaces methionine 101 with threonine.
Molecular consequence: missense variant.
Genome position (GRCh38, 1-based): chr19:13,135,509, T>C. VCF-style: chr19-13135509-T-C. GRCh37 (hg19) VCF-style: chr19-13246323-T-C.
Other names: short protein forms M101T.
Identifiers: ClinVar variation 3649630 (VCV003649630.2).

ClinVar aggregate classification (germline): Uncertain significance (1 of 4 stars; one submission).

Submission:

Labcorp Genetics (formerly Invitae), Labcorp
Classification: Uncertain significance. Last evaluated: 2025-10-02. Review status: criteria provided, single submitter. Criteria: Invitae Variant Classification Sherloc (09022015). Collection method: clinical testing. Allele origin: germline.
Comment: This sequence change replaces methionine, which is neutral and non-polar, with threonine, which is neutral and polar, at codon 101 of the NACC1 protein (p.Met101Thr). This variant is not present in population databases (gnomAD no frequency). This variant has not been reported in the literature in individuals affected with NACC1-related conditions. ClinVar contains an entry for this variant (Variation ID: 3649630). Invitae Evidence Modeling of protein sequence and biophysical properties (such as structural, functional, and spatial information, amino acid conservation, physicochemical variation, residue mobility, and thermodynamic stability) indicates that this missense variant is not expected to disrupt NACC1 protein function with a negative predictive value of 80%. In summary, the available evidence is currently insufficient to determine the role of this variant in disease. Therefore, it has been classified as a Variant of Uncertain Significance.